The following is an entry in ClinVar:

ClinVar aggregate classification (germline): Uncertain significance. Review status: criteria provided, multiple submitters, no conflicts (2 of 4 stars). 3 submissions from 3 submitters: Uncertain significance (3). Last evaluated 2024-11-04.

Conditions:
Nephronophthisis. Also called: Juvenile Nephronophthisis. Identifiers: Orphanet 655, MedGen C0687120, MONDO:0019005, HP:0000090.
Senior-Loken syndrome 4 (SLSN4). Identifiers: Orphanet 3156, MedGen C1846979, MONDO:0011756, OMIM 606996.
Nephronophthisis 4 (NPHP4). Also called: NEPHRONOPHTHISIS 4, JUVENILE. Identifiers: Orphanet 655, MedGen C1847013, MONDO:0011752, OMIM 606966.

Allele frequency attached by ClinVar (database versions not stated): TOPMed 0.00003; gnomAD 0.00006.
gnomAD v4.1: 19 of 1,613,810 alleles (0.0012%); highest among the groups gnomAD compares: African/African-American, 0.0093%; no homozygotes.

Submissions (3):

Labcorp Genetics (formerly Invitae), Labcorp
Classification: Uncertain significance for Nephronophthisis. Last evaluated: 2024-11-04. Review status: criteria provided, single submitter. Criteria: Invitae Variant Classification Sherloc (09022015). Collection method: clinical testing. Allele origin: germline.
Comment: This sequence change replaces arginine, which is basic and polar, with glutamine, which is neutral and polar, at codon 1373 of the NPHP4 protein (p.Arg1373Gln). This variant is present in population databases (no rsID available, gnomAD 0.008%). This variant has not been reported in the literature in individuals affected with NPHP4-related conditions. ClinVar contains an entry for this variant (Variation ID: 499386). Invitae Evidence Modeling of protein sequence and biophysical properties (such as structural, functional, and spatial information, amino acid conservation, physicochemical variation, residue mobility, and thermodynamic stability) indicates that this missense variant is not expected to disrupt NPHP4 protein function with a negative predictive value of 80%. In summary, the available evidence is currently insufficient to determine the role of this variant in disease. Therefore, it has been classified as a Variant of Uncertain Significance.

Fulgent Genetics
Classification: Uncertain significance for Nephronophthisis 4; Senior-Loken syndrome 4. Last evaluated: 2022-02-07. Review status: criteria provided, single submitter. Criteria: ACMG Guidelines, 2015. Collection method: clinical testing. Allele origin: unknown.

Eurofins Ntd Llc (ga)
Classification: Uncertain significance. Last evaluated: 2016-12-27. Review status: criteria provided, single submitter. Criteria: EGL Classification Definitions 2015. Collection method: clinical testing. Allele origin: germline. Observed: 1 variant allele, 1 heterozygote.

NM_015102.5(NPHP4):c.4118G>A (p.Arg1373Gln)

Gene: NPHP4 (nephrocystin 4; minus strand). Cytogenetic location: 1p36.31.
Variant type: single nucleotide variant.
Coding change: c.4118G>A on transcript NM_015102.5 (MANE Select); coding-DNA position 4118, G replaced by A.
Protein change: p.Arg1373Gln; replaces arginine 1373 with glutamine.
Molecular consequence: missense variant. On other transcripts: non-coding transcript variant (1).
Genome position (GRCh38, 1-based): chr1:5,863,912, C>T on the plus strand (G>A on the coding strand, the complement: NPHP4 is on the minus strand). VCF-style: chr1-5863912-C-T. GRCh37 (hg19) VCF-style: chr1-5923972-C-T.
Other names: c.2579G>A, p.Arg860Gln (NM_001291593.2); c.2582G>A, p.Arg861Gln (NM_001291594.2); short protein forms R1373Q, R861Q, R860Q.
Identifiers: ClinVar variation 499386 (VCV000499386.13), dbSNP rs768550124, ClinGen allele CA338048835.
Genomic context (GRCh38, chr1:5,863,912, plus strand): 5'-GTCTTCCCCTAGGAGTCCCAGGCACAGCCCCACCACACCTGGAAGGAGTCCTCTCTGAAC[C>T]GCAGCAGCTCCGGGTGGTCGCTGTGCAGGTGGAATGTCCTCCGGGAGGGGTAGGGGTTGG-3'
Protein context (NP_055917.1, residues 1363-1383): HLHSDHPELL[Arg1373Gln]FREDSFQVGG